The following is an entry in ClinVar:

ClinVar aggregate classification (germline): Likely benign. Review status: criteria provided, single submitter (1 of 4 stars). 2 submissions from 2 submitters: Likely benign (1). 1 of the submissions does not count toward it. Last evaluated 2025-10-07.

Conditions:
NNT-related disorder. Also called: NNT-related condition.

Allele frequency attached by ClinVar (database versions not stated): gnomAD 0.00024 and 0.00032; TOPMed 0.00035; ESP Exome Variant Server 0.00038; ExAC 0.00043; 1000 Genomes Project 30x 0.00047; gnomAD exomes 0.00047 and 0.00072; 1000 Genomes Project 0.00060.
gnomAD v4.1: 1,073 of 1,613,898 alleles (0.066%); highest among the groups gnomAD compares: South Asian, 0.18%; 2 homozygotes.

Submissions (2):

Labcorp Genetics (formerly Invitae), Labcorp
Classification: Likely benign. Last evaluated: 2025-10-07. Review status: criteria provided, single submitter. Criteria: Invitae Variant Classification Sherloc (09022015). Collection method: clinical testing. Allele origin: germline.

PreventionGenetics, part of Exact Sciences
Classification: Likely benign for NNT-related condition. Last evaluated: 2019-06-26. Review status: no assertion criteria provided. Collection method: clinical testing. Allele origin: germline. Not counted in ClinVar's aggregate classification.
Comment: This variant is classified as likely benign based on ACMG/AMP sequence variant interpretation guidelines (Richards et al. 2015 PMID: 25741868, with internal and published modifications).

NM_182977.3(NNT):c.144A>G (p.Val48=)

Gene: NNT (nicotinamide nucleotide transhydrogenase; plus strand). Cytogenetic location: 5p12.
Variant type: single nucleotide variant.
Coding change: c.144A>G on transcript NM_182977.3 (MANE Select); coding-DNA position 144, A replaced by G.
Protein change: p.Val48=; no amino-acid change (valine 48 retained).
Molecular consequence: synonymous variant. On other transcripts: 5 prime UTR variant (1).
Genome position (GRCh38, 1-based): chr5:43,609,339, A>G. VCF-style: chr5-43609339-A-G. GRCh37 (hg19) VCF-style: chr5-43609441-A-G.
Other names: c.-20A>G (NM_001331026.2); c.144A>G, p.Val48= (NM_012343.4); c.144A>G (NM_012343.3).
Identifiers: ClinVar variation 1604960 (VCV001604960.10), dbSNP rs150910464, ClinGen allele CA3257632.